The following is an entry in ClinVar:

ClinVar aggregate classification (germline): Uncertain significance (1 of 4 stars; one submission).

Conditions:
Hereditary cancer-predisposing syndrome. Also called: Neoplastic Syndromes, Hereditary; Tumor predisposition; Hereditary neoplastic syndrome; Hereditary Cancer Syndrome. Identifiers: Orphanet 140162, MedGen C0027672, MeSH D009386, MONDO:0015356.

Submission:

Ambry Genetics
Classification: Uncertain significance for Hereditary cancer-predisposing syndrome. Last evaluated: 2024-03-23. Review status: criteria provided, single submitter. Criteria: Ambry Variant Classification Scheme 2023. Collection method: clinical testing. Allele origin: germline.
Comment: The p.K976* variant (also known as c.2926A>T), located in coding exon 20 of the TSC1 gene, results from an A to T substitution at nucleotide position 2926. This changes the amino acid from a lysine to a stop codon within coding exon 20. This alteration occurs at the 3' terminus of theTSC1 gene, is not expected to trigger nonsense-mediated mRNAdecay, and only impacts the last 16% of the protein. The exact functional effect of this alteration is unknown. Based on the available evidence, the clinical significance of this alteration remains unclear.

NM_000368.5(TSC1):c.2926A>T (p.Lys976Ter)

Gene: TSC1 (TSC complex subunit 1; minus strand). Cytogenetic location: 9q34.13.
Variant type: single nucleotide variant.
Coding change: c.2926A>T on transcript NM_000368.5 (MANE Select); coding-DNA position 2926, A replaced by T.
Protein change: p.Lys976Ter; replaces lysine 976 with a stop codon.
Molecular consequence: nonsense. On other transcripts: non-coding transcript variant (5).
Genome position (GRCh38, 1-based): chr9:132,897,233, T>A on the plus strand (A>T on the coding strand, the complement: TSC1 is on the minus strand). VCF-style: chr9-132897233-T-A. GRCh37 (hg19) VCF-style: chr9-135772620-T-A.
Other names: c.2923A>T, p.Lys975Ter (NM_001162426.2, NM_001406597.1, NM_001406598.1 and 2 more transcripts); c.2773A>T, p.Lys925Ter (NM_001162427.2, NM_001406610.1); c.2563A>T, p.Lys855Ter (NM_001362177.2, NM_001406614.1, NM_001406615.1 and 4 more transcripts); c.2926A>T, p.Lys976Ter (NM_001406592.1, NM_001406593.1, NM_001406594.1 and 2 more transcripts); c.2911A>T, p.Lys971Ter (NM_001406601.1, NM_001406602.1); c.2908A>T, p.Lys970Ter (NM_001406603.1, NM_001406604.1); c.2884A>T, p.Lys962Ter (NM_001406605.1, NM_001406606.1, NM_001406607.1); c.2881A>T, p.Lys961Ter (NM_001406608.1, NM_001406609.1); and 8 more; short protein forms K625*, K854*, K925*, K961*, K970*, K971*, K975*, K658*.
Identifiers: ClinVar variation 3329404 (VCV003329404.1).